The following is an entry in ClinVar:

NM_001080.3(ALDH5A1):c.104_127del (p.Ser35_Gln43delinsTer)

Genes: ALDH5A1 (aldehyde dehydrogenase 5 family member A1; plus strand), GPLD1 (glycosylphosphatidylinositol specific phospholipase D1; minus strand), LOC129995978 (ATAC-STARR-seq lymphoblastoid silent region 16989; plus strand). Cytogenetic location: 6p22.3.
Variant type: Deletion.
Coding change: c.104_127del on transcript NM_001080.3 (MANE Select); coding-DNA positions 104 to 127, 24 bases deleted (CCGGGCCTGCGCCCGGCCCGGCCC).
Protein change: p.Ser35_Gln43delinsTer.
Molecular consequence: nonsense.
Genome position (GRCh38, 1-based): chr6:24,495,100-24,495,123, CCGGGCCTGCGCCCGGCCCGGCCC deleted. VCF-style (leftmost placement, unchanged base first): chr6-24495099-TCCGGGCCTGCGCCCGGCCCGGCCC-T. GRCh37 (hg19) VCF-style: chr6-24495327-TCCGGGCCTGCGCCCGGCCCGGCCC-T.
Other names: c.104_127del, p.Ser35_Gln43delinsTer (NM_001368954.1, NM_170740.1); c.104_127delCCGGGCCTGCGCCCGGCCCGGCCC (NM_001080.3).
Identifiers: ClinVar variation 582120 (VCV000582120.8), dbSNP rs1561865665, ClinGen allele CA891843135.
Genomic context (GRCh38, chr6:24,495,099, plus strand): 5'-CTCGGGTCGACGTTTCCAGGCTGCCGCCTCCGCCCCCGCGCCGGCGGCCTGGTCCCTGCC[TCCGGGCCTGCGCCCGGCCCGGCCC>T]AGCTCCGCTGCTACGCTGGGCGCCTGGCGGGCCTCTCTGCGGCGCTGCTGCGCACCGACA-3'

ClinVar aggregate classification (germline): Pathogenic. Review status: criteria provided, multiple submitters, no conflicts (2 of 4 stars). 2 submissions from 2 submitters: Pathogenic (2). Last evaluated 2024-05-31.

Conditions:
Succinate-semialdehyde dehydrogenase deficiency (SSADHD). Also called: SSADH DEFICIENCY; Succinic Semialdehyde Dehydrogenase Deficiency; 4-HYDROXYBUTYRIC ACIDURIA; GABA METABOLIC DEFECT. Identifiers: Orphanet 22, MedGen C0268631, MONDO:0010083, OMIM 271980.

Allele frequency attached by ClinVar (database versions not stated): TOPMed below 0.00001; gnomAD 0.00001; gnomAD exomes 0.00001.

Submissions (2):

Labcorp Genetics (formerly Invitae), Labcorp
Classification: Pathogenic for Succinate-semialdehyde dehydrogenase deficiency. Last evaluated: 2024-05-31. Review status: criteria provided, single submitter. Criteria: Invitae Variant Classification Sherloc (09022015). Collection method: clinical testing. Allele origin: germline.
Comment: This sequence change creates a premature translational stop signal (p.Ser35*) in the ALDH5A1 gene. It is expected to result in an absent or disrupted protein product. Loss-of-function variants in ALDH5A1 are known to be pathogenic (PMID: 14635103). This variant is not present in population databases (gnomAD no frequency). This variant has not been reported in the literature in individuals affected with ALDH5A1-related conditions. ClinVar contains an entry for this variant (Variation ID: 582120). For these reasons, this variant has been classified as Pathogenic.

Elsea Laboratory, Baylor College of Medicine
Classification: Pathogenic for Succinate-semialdehyde dehydrogenase deficiency. Last evaluated: 2021-03-08. Review status: criteria provided, single submitter. Criteria: Martin et al. (J Child Neurol. 2021). Collection method: curation. Allele origin: germline. Affected: yes.

Literature cited by the submitters: PubMed 14635103 (cited by Labcorp Genetics (formerly Invitae), Labcorp).